The following is an entry in ClinVar:

NM_004958.4(MTOR):c.1629G>A (p.Leu543=)

Gene: MTOR (mechanistic target of rapamycin kinase; minus strand). Cytogenetic location: 1p36.22.
Variant type: single nucleotide variant.
Coding change: c.1629G>A on transcript NM_004958.4 (MANE Select); coding-DNA position 1629, G replaced by A.
Protein change: p.Leu543=; no amino-acid change (leucine 543 retained).
Molecular consequence: synonymous variant.
Genome position (GRCh38, 1-based): chr1:11,240,460, C>T on the plus strand (G>A on the coding strand, the complement: MTOR is on the minus strand). VCF-style: chr1-11240460-C-T. GRCh37 (hg19) VCF-style: chr1-11300517-C-T.
Identifiers: ClinVar variation 696366 (VCV000696366.39), dbSNP rs55643406, ClinGen allele CA590668.

ClinVar aggregate classification (germline): Benign/Likely benign. Review status: criteria provided, multiple submitters, no conflicts (2 of 4 stars). 5 submissions from 5 submitters: Benign (4); Likely benign (1). Last evaluated 2026-01-28.

Allele frequency attached by ClinVar (database versions not stated): gnomAD exomes 0.00016 and 0.00050; ExAC 0.00065; 1000 Genomes Project 30x 0.00156; 1000 Genomes Project 0.00180; gnomAD 0.00186 and 0.00199; ESP Exome Variant Server 0.00192; TOPMed 0.00203.
gnomAD v4.1: 540 of 1,614,224 alleles (0.033%); highest among the groups gnomAD compares: African/African-American, 0.63%; 3 homozygotes.

Submissions (5):

Labcorp Genetics (formerly Invitae), Labcorp
Classification: Benign. Last evaluated: 2026-01-28. Review status: criteria provided, single submitter. Criteria: Invitae Variant Classification Sherloc (09022015). Collection method: clinical testing. Allele origin: germline.

Blueprint Genetics
Classification: Likely benign. Last evaluated: 2024-07-15. Review status: criteria provided, single submitter. Criteria: ACMG Guidelines, 2015. Collection method: clinical testing. Allele origin: germline.

CeGaT Center for Human Genetics Tuebingen
Classification: Benign. Last evaluated: 2022-03-01. Review status: criteria provided, single submitter. Criteria: CeGaT Center For Human Genetics Tuebingen Variant Classification Criteria Version 2. Collection method: clinical testing. Allele origin: germline. Affected: yes. Observed: 1 variant allele.
Comment: MTOR: BS1, BS2

GeneDx
Classification: Benign. Last evaluated: 2020-04-08. Review status: criteria provided, single submitter. Criteria: GeneDx Variant Classification Process June 2021. Collection method: clinical testing. Allele origin: germline. Affected: yes.

Breakthrough Genomics
Classification: Benign. Review status: criteria provided, single submitter. Criteria: ACMG Guidelines, 2015. Collection method: not provided. Allele origin: germline. Inheritance: Autosomal dominant inheritance. Affected: yes.